The following is an entry in ClinVar:

ClinVar aggregate classification (germline): Uncertain significance (1 of 4 stars; one submission).

Conditions:
Hereditary pheochromocytoma and paraganglioma. Also called: Hereditary paragangliomas and pheochromocytomas; Hereditary Paraganglioma-Pheochromocytoma Syndromes; Hereditary pheochromocytoma-paraganglioma. Identifiers: Orphanet 29072, MedGen C4274332, MONDO:0017366.

Submission:

Labcorp Genetics (formerly Invitae), Labcorp
Classification: Uncertain significance for Hereditary pheochromocytoma and paraganglioma. Last evaluated: 2020-11-21. Review status: criteria provided, single submitter. Criteria: Invitae Variant Classification Sherloc (09022015). Collection method: clinical testing. Allele origin: germline.
Comment: In summary, the available evidence is currently insufficient to determine the role of this variant in disease. Therefore, it has been classified as a Variant of Uncertain Significance. Nucleotide substitutions within the consensus splice site are a relatively common cause of aberrant splicing (PMID: 17576681, 9536098). This variant has not been reported in the literature in individuals with TMEM127-related conditions. This variant is not present in population databases (ExAC no frequency). This variant results in the deletion of part of exon 4 (c.410-265_625del) of the TMEM127 gene. While this variant is not anticipated to result in nonsense mediated decay, it likely alters RNA splicing and results in a disrupted protein product.

Literature cited by the submitters: PubMed 17576681; PubMed 9536098.

NM_017849.4(TMEM127):c.410-265_625del

Gene: TMEM127 (transmembrane protein 127; minus strand). Cytogenetic location: 2q11.2.
Variant type: Deletion.
Coding change: c.410-265_625del on transcript NM_017849.4 (MANE Select); 265 bases into the intron before coding-DNA position 410 through coding-DNA position 625, 481 bases deleted.
Molecular consequence: splice acceptor variant.
Genome position (GRCh38, 1-based): chr2:96,253,900-96,254,380, 481 bases deleted. GRCh37 (hg19): chr2:96,919,641-96,920,121.
Other names: c.410-265_625del (NM_001193304.3).
Identifiers: ClinVar variation 1349666 (VCV001349666.8), dbSNP rs2104283392, ClinGen allele CA2573135942.